The following is an entry in ClinVar:

NM_001366385.1(CARD14):c.536G>T (p.Arg179Leu)

Gene: CARD14 (caspase recruitment domain family member 14; plus strand). Cytogenetic location: 17q25.3.
Variant type: single nucleotide variant.
Coding change: c.536G>T on transcript NM_001366385.1 (MANE Select); coding-DNA position 536, G replaced by T.
Protein change: p.Arg179Leu; replaces arginine 179 with leucine.
Molecular consequence: missense variant. On other transcripts: non-coding transcript variant (1).
Genome position (GRCh38, 1-based): chr17:80,184,099, G>T. VCF-style: chr17-80184099-G-T. GRCh37 (hg19) VCF-style: chr17-78157898-G-T.
Other names: c.536G>T, p.Arg179Leu (NM_001257970.1, NM_024110.4); short protein forms R179L.
Identifiers: ClinVar variation 2933372 (VCV002933372.3), dbSNP rs199517469, ClinGen allele CA401337049.

ClinVar aggregate classification (germline): Uncertain significance (1 of 4 stars; one submission).

Conditions:
Pityriasis rubra pilaris (PRP). Also called: Pityriasis rubra pilaris--familial type. Identifiers: Orphanet 2897, MedGen C0032027, MONDO:0100017, OMIM 173200, MONDO:0008251.
Psoriasis 2. Identifiers: MedGen C1864497, MONDO:0011269, OMIM 602723.

gnomAD v4.1: 10 of 1,580,554 alleles (0.00063%); highest among the groups gnomAD compares: South Asian, 0.0012%; no homozygotes.

Submission:

Labcorp Genetics (formerly Invitae), Labcorp
Classification: Uncertain significance for Pityriasis rubra pilaris; Psoriasis 2. Last evaluated: 2025-02-26. Review status: criteria provided, single submitter. Criteria: Invitae Variant Classification Sherloc (09022015). Collection method: clinical testing. Allele origin: germline.
Comment: This sequence change replaces arginine, which is basic and polar, with leucine, which is neutral and non-polar, at codon 179 of the CARD14 protein (p.Arg179Leu). The frequency data for this variant in the population databases is considered unreliable, as metrics indicate poor data quality at this position in the gnomAD database. This variant has not been reported in the literature in individuals affected with CARD14-related conditions. ClinVar contains an entry for this variant (Variation ID: 2933372). Invitae Evidence Modeling of protein sequence and biophysical properties (such as structural, functional, and spatial information, amino acid conservation, physicochemical variation, residue mobility, and thermodynamic stability) has been performed for this missense variant. However, the output from this modeling did not meet the statistical confidence thresholds required to predict the impact of this variant on CARD14 protein function. In summary, the available evidence is currently insufficient to determine the role of this variant in disease. Therefore, it has been classified as a Variant of Uncertain Significance.